The following is an entry in ClinVar:

ClinVar aggregate classification (germline): Uncertain significance. Review status: criteria provided, single submitter (1 of 4 stars). 2 submissions from 2 submitters: Uncertain significance (1). 1 of the submissions does not count toward it. Last evaluated 2025-08-09.

Conditions:
PTPRF-related disorder. Also called: PTPRF-related condition.

Allele frequency attached by ClinVar (database versions not stated): gnomAD exomes 0.00014; ExAC 0.00047; 1000 Genomes Project 0.00080; 1000 Genomes Project 30x 0.00094; gnomAD 0.00138; TOPMed 0.00170; ESP Exome Variant Server 0.00185.
gnomAD v4.1: 432 of 1,613,978 alleles (0.027%); highest among the groups gnomAD compares: African/African-American, 0.48%; 1 homozygote.

Submissions (2):

Ambry Genetics
Classification: Uncertain significance. Last evaluated: 2025-08-09. Review status: criteria provided, single submitter. Criteria: Ambry Variant Classification Scheme 2023. Collection method: clinical testing. Allele origin: germline.

PreventionGenetics, part of Exact Sciences
Classification: Likely benign for PTPRF-related condition. Last evaluated: 2019-05-22. Review status: no assertion criteria provided. Collection method: clinical testing. Allele origin: germline. Not counted in ClinVar's aggregate classification.
Comment: This variant is classified as likely benign based on ACMG/AMP sequence variant interpretation guidelines (Richards et al. 2015 PMID: 25741868, with internal and published modifications).

NM_002840.5(PTPRF):c.2602A>G (p.Ile868Val)

Gene: PTPRF (protein tyrosine phosphatase receptor type F; plus strand). Cytogenetic location: 1p34.2.
Variant type: single nucleotide variant.
Coding change: c.2602A>G on transcript NM_002840.5 (MANE Select); coding-DNA position 2602, A replaced by G.
Protein change: p.Ile868Val; replaces isoleucine 868 with valine.
Molecular consequence: missense variant. On other transcripts: intron variant (4).
Genome position (GRCh38, 1-based): chr1:43,603,754, A>G. VCF-style: chr1-43603754-A-G. GRCh37 (hg19) VCF-style: chr1-44069425-A-G.
Other names: c.2602A>G (NM_002840.3); c.2575A>G, p.Ile859Val (NM_130440.4); c.2182+221A>G (NM_001329138.2); c.2170+221A>G (NM_001329137.2); c.2152+221A>G (NM_001329139.2); c.2125+221A>G (NM_001329140.2); short protein forms I859V, I868V.
Identifiers: ClinVar variation 3038938 (VCV003038938.3), dbSNP rs141782417, ClinGen allele CA812541.